The following is an entry in ClinVar:

ClinVar aggregate classification (germline): Uncertain significance (1 of 4 stars; one submission).

Conditions:
Familial sleep-related hypermotor epilepsy. Also called: Autosomal Dominant Sleep-Related Hypermotor (Hyperkinetic) Epilepsy. Identifiers: Orphanet 98784, MedGen C3696898, MONDO:0000030.

Allele frequency attached by ClinVar (database versions not stated): gnomAD 0.00001; TOPMed 0.00002.
gnomAD v4.1: 17 of 1,612,690 alleles (0.0011%); highest among the groups gnomAD compares: South Asian, 0.0022%; no homozygotes.

Submission:

Labcorp Genetics (formerly Invitae), Labcorp
Classification: Uncertain significance. Last evaluated: 2022-03-12. Review status: criteria provided, single submitter. Criteria: Invitae Variant Classification Sherloc (09022015). Collection method: clinical testing. Allele origin: germline.
Comment: In summary, the available evidence is currently insufficient to determine the role of this variant in disease. Therefore, it has been classified as a Variant of Uncertain Significance. Variants that disrupt the consensus splice site are a relatively common cause of aberrant splicing (PMID: 17576681, 9536098). Algorithms developed to predict the effect of sequence changes on RNA splicing suggest that this variant is not likely to affect RNA splicing. This variant has not been reported in the literature in individuals affected with CHRNA4-related conditions. This variant is present in population databases (rs199662429, gnomAD 0.0008%). This sequence change affects codon 586 of the CHRNA4 mRNA. It is a 'silent' change, meaning that it does not change the encoded amino acid sequence of the CHRNA4 protein. This variant also falls at the last nucleotide of exon 5, which is part of the consensus splice site for this exon.

Literature cited by the submitters: PubMed 17576681; PubMed 9536098.

NM_000744.7(CHRNA4):c.1758G>A (p.Ser586=)

Gene: CHRNA4 (cholinergic receptor nicotinic alpha 4 subunit; minus strand). Cytogenetic location: 20q13.33.
Variant type: single nucleotide variant.
Coding change: c.1758G>A on transcript NM_000744.7 (MANE Select); coding-DNA position 1758, G replaced by A.
Protein change: p.Ser586=; no amino-acid change (serine 586 retained).
Molecular consequence: synonymous variant. On other transcripts: non-coding transcript variant (1).
Genome position (GRCh38, 1-based): chr20:63,349,653, C>T on the plus strand (G>A on the coding strand, the complement: CHRNA4 is on the minus strand). VCF-style: chr20-63349653-C-T. GRCh37 (hg19) VCF-style: chr20-61981005-C-T.
Other names: c.1230G>A, p.Ser410= (NM_001256573.2).
Identifiers: ClinVar variation 2051410 (VCV002051410.4), dbSNP rs199662429, ClinGen allele CA317431484.